The following is an entry in ClinVar:

ClinVar aggregate classification (germline): Benign/Likely benign. Review status: criteria provided, multiple submitters, no conflicts (2 of 4 stars). 22 submissions from 15 submitters: Benign (14); Likely benign (5). 3 of the submissions do not count toward it. Last evaluated 2026-01-28.

Conditions:
Dilated cardiomyopathy 1G (CMD1G). Identifiers: Orphanet 154, MedGen C1858763, MONDO:0011400, OMIM 604145.
Autosomal recessive limb-girdle muscular dystrophy type 2J (LGMDR10). Also called: MUSCULAR DYSTROPHY, LIMB-GIRDLE, AUTOSOMAL RECESSIVE 10; Limb-girdle muscular dystrophy, type 2J. Identifiers: Orphanet 140922, MedGen C1837342, MONDO:0012127, OMIM 608807.
Cardiovascular phenotype. Identifiers: MedGen CN230736.
Cardiomyopathy (CMYO). Also called: Cardiomyopathies. Identifiers: Orphanet 167848, MedGen C0878544, MONDO:0004994, HP:0001638. Inheritance: Various modes of inheritance.
Early-onset myopathy with fatal cardiomyopathy (CMYO5). Also called: CONGENITAL MYOPATHY 5 WITH CARDIOMYOPATHY; Salih Myopathy. Identifiers: Orphanet 289377, MedGen C2673677, MONDO:0012714, OMIM 611705. Disease mechanism: loss of function.
Myopathy, myofibrillar, 9, with early respiratory failure (MFM9). Also called: Myopathy, distal, with early respiratory failure, autosomal dominant; Hereditary myopathy with early respiratory failure; MYOPATHY, PROXIMAL, WITH EARLY RESPIRATORY MUSCLE INVOLVEMENT; EDSTROM MYOPATHY. Identifiers: Orphanet 178464, Orphanet 34521, MedGen C1863599, MONDO:0011362, OMIM 603689.
Tibial muscular dystrophy (TMD). Also called: Udd Distal Myopathy – Tibial Muscular Dystrophy; Tibial muscular dystrophy, tardive; UDD MYOPATHY. Identifiers: Orphanet 609, MedGen C1838244, MONDO:0010870, OMIM 600334.

Allele frequency attached by ClinVar (database versions not stated): ExAC 0.00128; 1000 Genomes Project 30x 0.00234; ESP Exome Variant Server 0.00453; TOPMed 0.00451; gnomAD exomes 0.00043 and 0.00110; 1000 Genomes Project 0.00180; gnomAD 0.00415 and 0.00458.
gnomAD v4.1: 1,276 of 1,613,290 alleles (0.079%); highest among the groups gnomAD compares: African/African-American, 1.5%; 8 homozygotes.

Submissions (22):

Labcorp Genetics (formerly Invitae), Labcorp
Classification: Benign for Dilated cardiomyopathy 1G; Autosomal recessive limb-girdle muscular dystrophy type 2J. Last evaluated: 2026-01-28. Review status: criteria provided, single submitter. Criteria: Invitae Variant Classification Sherloc (09022015). Collection method: clinical testing. Allele origin: germline.

Molecular Diagnostic Laboratory for Inherited Cardiovascular Disease, Montreal Heart Institute
Classification: Likely benign. Last evaluated: 2025-04-09. Review status: criteria provided, single submitter. Criteria: ACMG Guidelines, 2015. Collection method: clinical testing. Allele origin: germline. Affected: no.

Mayo Clinic Laboratories, Mayo Clinic
Classification: Benign. Last evaluated: 2025-04-03. Review status: criteria provided, single submitter. Criteria: ACMG Guidelines, 2015. Collection method: clinical testing. Allele origin: germline. Observed: 12 variant alleles.
Comment: BS1, BS2, BP1, BP4

CeGaT Center for Human Genetics Tuebingen
Classification: Benign. Last evaluated: 2024-04-01. Review status: criteria provided, single submitter. Criteria: CeGaT Center For Human Genetics Tuebingen Variant Classification Criteria Version 2. Collection method: clinical testing. Allele origin: germline. Affected: yes. Observed: 1 variant allele.
Comment: TTN: BP4, BS1, BS2

ARUP Laboratories, Molecular Genetics and Genomics, ARUP Laboratories
Classification: Benign. Last evaluated: 2023-03-28. Review status: criteria provided, single submitter. Criteria: ARUP Molecular Germline Variant Investigation Process 2024. Collection method: clinical testing. Allele origin: germline.

Genome-Nilou Lab
Classification: Benign for Autosomal recessive limb-girdle muscular dystrophy type 2J. Last evaluated: 2021-09-10. Review status: criteria provided, single submitter. Criteria: ACMG Guidelines, 2015. Collection method: clinical testing. Allele origin: germline. Affected: no.

Genome-Nilou Lab
Classification: Benign for Myopathy, myofibrillar, 9, with early respiratory failure. Last evaluated: 2021-09-10. Review status: criteria provided, single submitter. Criteria: ACMG Guidelines, 2015. Collection method: clinical testing. Allele origin: germline. Affected: no.

Genome-Nilou Lab
Classification: Benign for Early-onset myopathy with fatal cardiomyopathy. Last evaluated: 2021-09-10. Review status: criteria provided, single submitter. Criteria: ACMG Guidelines, 2015. Collection method: clinical testing. Allele origin: germline. Affected: no.

Genome-Nilou Lab
Classification: Benign for Tibial muscular dystrophy. Last evaluated: 2021-09-10. Review status: criteria provided, single submitter. Criteria: ACMG Guidelines, 2015. Collection method: clinical testing. Allele origin: germline. Affected: no.

Women's Health and Genetics/Laboratory Corporation of America, LabCorp
Classification: Likely benign. Last evaluated: 2021-03-15. Review status: criteria provided, single submitter. Criteria: LabCorp Variant Classification Summary - May 2015. Collection method: clinical testing. Allele origin: germline.

Illumina Laboratory Services, Illumina
Classification: Likely benign for Early-onset myopathy with fatal cardiomyopathy. Last evaluated: 2018-01-12. Review status: criteria provided, single submitter. Criteria: ICSL Variant Classification Criteria 13 December 2019. Collection method: clinical testing. Allele origin: germline.
Comment: This variant was observed in the ICSL laboratory as part of a predisposition screen in an ostensibly healthy population. It had not been previously curated by ICSL or reported in the Human Gene Mutation Database (HGMD: prior to June 1st, 2018), and was therefore a candidate for classification through an automated scoring system. Utilizing variant allele frequency, disease prevalence and penetrance estimates, and inheritance mode, an automated score was calculated to assess if this variant is too frequent to cause the disease. Based on the score and internal cut-off values, a variant classified as likely benign is not then subjected to further curation. The score for this variant resulted in a classification of likely benign for this disease.

Illumina Laboratory Services, Illumina
Classification: Likely benign for Dilated cardiomyopathy 1G. Last evaluated: 2018-01-12. Review status: criteria provided, single submitter. Criteria: ICSL Variant Classification Criteria 13 December 2019. Collection method: clinical testing. Allele origin: germline.
Comment: the same text as in the submission from Illumina Laboratory Services, Illumina above.

Illumina Laboratory Services, Illumina
Classification: Benign for Tibial muscular dystrophy. Last evaluated: 2018-01-12. Review status: criteria provided, single submitter. Criteria: ICSL Variant Classification Criteria 13 December 2019. Collection method: clinical testing. Allele origin: germline.
Comment: This variant was observed in the ICSL laboratory as part of a predisposition screen in an ostensibly healthy population. It had not been previously curated by ICSL or reported in the Human Gene Mutation Database (HGMD: prior to June 1st, 2018), and was therefore a candidate for classification through an automated scoring system. Utilizing variant allele frequency, disease prevalence and penetrance estimates, and inheritance mode, an automated score was calculated to assess if this variant is too frequent to cause the disease. Based on the score and internal cut-off values, a variant classified as benign is not then subjected to further curation. The score for this variant resulted in a classification of benign for this disease.

Illumina Laboratory Services, Illumina
Classification: Benign for Myopathy, myofibrillar, 9, with early respiratory failure. Last evaluated: 2018-01-12. Review status: criteria provided, single submitter. Criteria: ICSL Variant Classification Criteria 13 December 2019. Collection method: clinical testing. Allele origin: germline.
Comment: the same text as in the submission from Illumina Laboratory Services, Illumina above.

Illumina Laboratory Services, Illumina
Classification: Likely benign for Autosomal recessive limb-girdle muscular dystrophy type 2J. Last evaluated: 2018-01-12. Review status: criteria provided, single submitter. Criteria: ICSL Variant Classification Criteria 13 December 2019. Collection method: clinical testing. Allele origin: germline.
Comment: the same text as in the submission from Illumina Laboratory Services, Illumina above.

CHEO Genetics Diagnostic Laboratory, Children's Hospital of Eastern Ontario
Classification: Benign for Cardiomyopathy. Last evaluated: 2017-12-01. Review status: criteria provided, single submitter. Criteria: ACMG Guidelines, 2015. Collection method: clinical testing. Allele origin: germline.

Ambry Genetics
Classification: Benign for Cardiovascular phenotype. Last evaluated: 2016-11-02. Review status: criteria provided, single submitter. Criteria: Ambry Variant Classification Scheme 2023. Collection method: clinical testing. Allele origin: germline.

GeneDx
Classification: Benign. Last evaluated: 2015-05-01. Review status: criteria provided, single submitter. Criteria: GeneDx Variant Classification (06012015). Collection method: clinical testing. Allele origin: germline. Affected: yes.
Comment: This variant is considered likely benign or benign based on one or more of the following criteria: it is a conservative change, it occurs at a poorly conserved position in the protein, it is predicted to be benign by multiple in silico algorithms, and/or has population frequency not consistent with disease.

Laboratory for Molecular Medicine, Mass General Brigham Personalized Medicine
Classification: Benign. Last evaluated: 2012-03-19. Review status: criteria provided, single submitter. Criteria: LMM Criteria. Collection method: clinical testing. Allele origin: germline. Observed: 10 variant alleles.
Comment: p.Glu17451Lys in Exon 252 of TTN: This variant is not expected to have clinical significance because it has been identified in 1.5% (45/3036) of African America n chromosomes from a broad population by the NHLBI Exome Sequencing Project.

Clinical Genetics DNA and cytogenetics Diagnostics Lab, Erasmus MC, Erasmus Medical Center
Classification: Benign. Review status: no assertion criteria provided. Collection method: clinical testing. Allele origin: germline. Affected: yes. Study: VKGL Data-share Consensus. Not counted in ClinVar's aggregate classification.

Clinical Genetics, Academic Medical Center
Classification: Benign. Review status: no assertion criteria provided. Collection method: clinical testing. Allele origin: germline. Affected: yes. Study: VKGL Data-share Consensus. Not counted in ClinVar's aggregate classification.

Laboratory of Diagnostic Genome Analysis, Leiden University Medical Center (LUMC)
Classification: Likely benign. Review status: no assertion criteria provided. Collection method: clinical testing. Allele origin: germline. Affected: yes. Study: VKGL Data-share Consensus. Not counted in ClinVar's aggregate classification.

NM_001267550.2(TTN):c.60055G>A (p.Glu20019Lys)

Genes: TTN-AS1 (TTN antisense RNA 1; plus strand), TTN (titin; minus strand), LOC126806424 (CDK7 strongly-dependent group 2 enhancer GRCh37_chr2:179456337-179457536; plus strand). Cytogenetic location: 2q31.2.
Variant type: single nucleotide variant.
Coding change: c.60055G>A on transcript NM_001267550.2 (MANE Select); coding-DNA position 60055, G replaced by A.
Protein change: p.Glu20019Lys; replaces glutamic acid 20019 with lysine.
Molecular consequence: missense variant.
Genome position (GRCh38, 1-based): chr2:178,591,764, C>T on the plus strand (G>A on the coding strand, the complement: TTN is on the minus strand). VCF-style: chr2-178591764-C-T. GRCh37 (hg19) VCF-style: chr2-179456491-C-T.
Other names: p.E18378K:GAA>AAA; p.Glu18378Lys; c.55132G>A, p.Glu18378Lys (NM_001256850.1); c.32860G>A, p.Glu10954Lys (NM_003319.4); c.52351G>A, p.Glu17451Lys (NM_133378.4); c.33235G>A, p.Glu11079Lys (NM_133432.3); c.33436G>A, p.Glu11146Lys (NM_133437.4); short protein forms E20019K, E17451K, E18378K, E10954K, E11079K, E11146K.
Identifiers: ClinVar variation 47159 (VCV000047159.53), dbSNP rs201487340, ClinGen allele CA140170.